The following is an entry in ClinVar:

ClinVar aggregate classification (germline): Pathogenic (1 of 4 stars; one submission).

Allele frequency attached by ClinVar (database versions not stated): gnomAD 0.00001.
gnomAD v4.1: 1 of 1,613,318 alleles (0.000062%); no homozygotes.

Submission:

Labcorp Genetics (formerly Invitae), Labcorp
Classification: Pathogenic. Last evaluated: 2022-06-08. Review status: criteria provided, single submitter. Criteria: Invitae Variant Classification Sherloc (09022015). Collection method: clinical testing. Allele origin: germline.
Comment: This sequence change creates a premature translational stop signal (p.Cys1325*) in the PCLO gene. It is expected to result in an absent or disrupted protein product. Loss-of-function variants in PCLO are known to be pathogenic (PMID: 25832664, 30287594). This variant is not present in population databases (gnomAD no frequency). For these reasons, this variant has been classified as Pathogenic. This variant has not been reported in the literature in individuals affected with PCLO-related conditions.

Literature cited by the submitters: PubMed 25832664; PubMed 30287594.

NM_033026.6(PCLO):c.3975C>A (p.Cys1325Ter)

Gene: PCLO (piccolo presynaptic cytomatrix protein; minus strand). Cytogenetic location: 7q21.11.
Variant type: single nucleotide variant.
Coding change: c.3975C>A on transcript NM_033026.6 (MANE Select); coding-DNA position 3975, C replaced by A.
Protein change: p.Cys1325Ter; replaces cysteine 1325 with a stop codon.
Molecular consequence: nonsense.
Genome position (GRCh38, 1-based): chr7:82,965,813, G>T on the plus strand (C>A on the coding strand, the complement: PCLO is on the minus strand). VCF-style: chr7-82965813-G-T. GRCh37 (hg19) VCF-style: chr7-82595129-G-T.
Other names: c.3975C>A, p.Cys1325Ter (NM_014510.3); short protein forms C1325*.
Identifiers: ClinVar variation 2003436 (VCV002003436.4), dbSNP rs1795752214, ClinGen allele CA367930892.